The following is an entry in ClinVar:

NM_014467.3(SRPX2):c.161G>A (p.Arg54Gln)

Gene: SRPX2 (sushi repeat containing protein X-linked 2; plus strand). Cytogenetic location: Xq22.1.
Variant type: single nucleotide variant.
Coding change: c.161G>A on transcript NM_014467.3 (MANE Select); coding-DNA position 161, G replaced by A.
Protein change: p.Arg54Gln; replaces arginine 54 with glutamine.
Molecular consequence: missense variant.
Genome position (GRCh38, 1-based): chrX:100,650,863, G>A. VCF-style: chrX-100650863-G-A. GRCh37 (hg19) VCF-style: chrX-99905860-G-A.
Other names: short protein forms R54Q.
Identifiers: ClinVar variation 409283 (VCV000409283.8), dbSNP rs761225832, ClinGen allele CA10469428.

ClinVar aggregate classification (germline): Uncertain significance. Review status: criteria provided, multiple submitters, no conflicts (2 of 4 stars). 2 submissions from 2 submitters: Uncertain significance (2). Last evaluated 2023-02-07.

Conditions:
Rolandic epilepsy, impaired intellectual development, and speech dyspraxia, X-linked. Also called: Rolandic epilepsy, impaired intellectual development, and speech dyspraxia; Rolandic epilepsy, intellectual disability, and speech dyspraxia, X-linked. Identifiers: MedGen C1845070, MONDO:0010388, OMIM 300643.

Allele frequency attached by ClinVar (database versions not stated): gnomAD exomes 0.00004 and 0.00005; gnomAD 0.00001; TOPMed 0.00001; ExAC 0.00004.
gnomAD v4.1: 54 of 1,202,969 alleles (0.0045%); highest among the groups gnomAD compares: East Asian, 0.13%; no homozygotes.

Submissions (2):

Ambry Genetics
Classification: Uncertain significance. Last evaluated: 2023-02-07. Review status: criteria provided, single submitter. Criteria: Ambry Variant Classification Scheme 2023. Collection method: clinical testing. Allele origin: germline.

Labcorp Genetics (formerly Invitae), Labcorp
Classification: Uncertain significance for Rolandic epilepsy, impaired intellectual development, and speech dyspraxia, X-linked. Last evaluated: 2021-11-15. Review status: criteria provided, single submitter. Criteria: Invitae Variant Classification Sherloc (09022015). Collection method: clinical testing. Allele origin: germline.
Comment: In summary, the available evidence is currently insufficient to determine the role of this variant in disease. Therefore, it has been classified as a Variant of Uncertain Significance. Algorithms developed to predict the effect of missense changes on protein structure and function output the following: SIFT: "Deleterious"; PolyPhen-2: "Benign"; Align-GVGD: "Class C0". The glutamine amino acid residue is found in multiple mammalian species, which suggests that this missense change does not adversely affect protein function. ClinVar contains an entry for this variant (Variation ID: 409283). This variant has not been reported in the literature in individuals affected with SRPX2-related conditions. This variant is present in population databases (rs761225832, gnomAD 0.02%). This sequence change replaces arginine, which is basic and polar, with glutamine, which is neutral and polar, at codon 54 of the SRPX2 protein (p.Arg54Gln).